The following is an entry in ClinVar:

NM_001174147.2(LMX1B):c.741+1G>C

Gene: LMX1B (LIM homeobox transcription factor 1 beta; plus strand). Cytogenetic location: 9q33.3.
Variant type: single nucleotide variant.
Coding change: c.741+1G>C on transcript NM_001174147.2 (MANE Select); the canonical splice donor site of the intron after coding-DNA position 741, G replaced by C.
Molecular consequence: splice donor variant.
Genome position (GRCh38, 1-based): chr9:126,693,324, G>C. VCF-style: chr9-126693324-G-C. GRCh37 (hg19) VCF-style: chr9-129455603-G-C.
Other names: c.741+1G>C (NM_001174146.2, NM_002316.4).
Identifiers: ClinVar variation 3771873 (VCV003771873.13).

ClinVar aggregate classification (germline): Pathogenic (1 of 4 stars; one submission).

Submission:

CeGaT Center for Human Genetics Tuebingen
Classification: Pathogenic. Last evaluated: 2024-12-01. Review status: criteria provided, single submitter. Criteria: CeGaT Center For Human Genetics Tuebingen Variant Classification Criteria Version 2. Collection method: clinical testing. Allele origin: germline. Affected: yes. Observed: 1 variant allele.
Comment: LMX1B: PVS1, PM2, PS1:Supporting, PS4:Supporting